The following is an entry in ClinVar:

ClinVar aggregate classification (germline): Uncertain significance (1 of 4 stars; one submission).

Conditions:
KBG syndrome (KBGS). Also called: ANKRD11-Related KBG Syndrome. Identifiers: Orphanet 2332, MedGen C0220687, MONDO:0007846, OMIM 148050.

Submission:

Labcorp Genetics (formerly Invitae), Labcorp
Classification: Uncertain significance for KBG syndrome. Last evaluated: 2024-04-15. Review status: criteria provided, single submitter. Criteria: Invitae Variant Classification Sherloc (09022015). Collection method: clinical testing. Allele origin: germline.
Comment: This variant, c.7128_7129delinsGT, is a complex sequence change that results in the deletion of 2 and insertion of 2 amino acid(s) in the ANKRD11 protein (p.Asp2376_Asp2377delinsGluTyr). Information on the frequency of this variant in the gnomAD database is not available, as this variant may be reported differently in the database. This variant has not been reported in the literature in individuals affected with ANKRD11-related conditions. Experimental studies and prediction algorithms are not available or were not evaluated, and the functional significance of this variant is currently unknown. In summary, the available evidence is currently insufficient to determine the role of this variant in disease. Therefore, it has been classified as a Variant of Uncertain Significance.

NM_013275.6(ANKRD11):c.7128_7129delinsGT (p.Asp2376_Asp2377delinsGluTyr)

Gene: ANKRD11 (ankyrin repeat domain 11; minus strand). Cytogenetic location: 16q24.3.
Variant type: Indel.
Coding change: c.7128_7129delinsGT on transcript NM_013275.6 (MANE Select); coding-DNA positions 7128 to 7129, CG replaced by GT.
Protein change: p.Asp2376_Asp2377delinsGluTyr.
Molecular consequence: missense variant.
Genome position (GRCh38, 1-based): chr16:89,279,413-89,279,414, CG replaced by AC on the plus strand (CG replaced by GT on the coding strand, the reverse complement: ANKRD11 is on the minus strand). VCF-style: chr16-89279413-CG-AC. GRCh37 (hg19) VCF-style: chr16-89345821-CG-AC.
Other names: c.7128_7129delinsGT, p.Asp2376_Asp2377delinsGluTyr (NM_001256182.2, NM_001256183.2).
Identifiers: ClinVar variation 2960094 (VCV002960094.3), dbSNP rs2544219286, ClinGen allele CA2740093464.